The following is an entry in ClinVar:

NM_004064.5(CDKN1B):c.195G>T (p.Gln65His)

Gene: CDKN1B (cyclin dependent kinase inhibitor 1B; plus strand). Cytogenetic location: 12p13.1.
Variant type: single nucleotide variant.
Coding change: c.195G>T on transcript NM_004064.5 (MANE Select); coding-DNA position 195, G replaced by T.
Protein change: p.Gln65His; replaces glutamine 65 with histidine.
Molecular consequence: missense variant.
Genome position (GRCh38, 1-based): chr12:12,718,034, G>T. VCF-style: chr12-12718034-G-T. GRCh37 (hg19) VCF-style: chr12-12870968-G-T.
Other names: short protein forms Q65H.
Identifiers: ClinVar variation 656075 (VCV000656075.15), dbSNP rs747864095, ClinGen allele CA6457409.
Genomic context (GRCh38, chr12:12,718,034, plus strand): 5'-GGAGAAGCACTGCAGAGACATGGAAGAGGCGAGCCAGCGCAAGTGGAATTTCGATTTTCA[G>T]AATCACAAACCCCTAGAGGGCAAGTACGAGTGGCAAGAGGTGGAGAAGGGCAGCTTGCCC-3'
Protein context (NP_004055.1, residues 55-75): ASQRKWNFDF[Gln65His]NHKPLEGKYE

ClinVar aggregate classification (germline): Conflicting classifications of pathogenicity. Review status: criteria provided, conflicting classifications (1 of 4 stars). 4 submissions from 4 submitters: Uncertain significance (3); Benign (1). Last evaluated 2025-10-29.

Conditions:
Hereditary cancer-predisposing syndrome. Also called: Neoplastic Syndromes, Hereditary; Hereditary Cancer Syndrome; Tumor predisposition; Hereditary neoplastic syndrome. Identifiers: Orphanet 140162, MedGen C0027672, MeSH D009386, MONDO:0015356.
Multiple endocrine neoplasia type 4. Also called: MULTIPLE ENDOCRINE NEOPLASIA, TYPE IV. Identifiers: Orphanet 276152, MedGen C1970712, MONDO:0012552, OMIM 610755.

Allele frequency attached by ClinVar (database versions not stated): gnomAD 0.00002 and 0.00001; ExAC 0.00002.
gnomAD v4.1: 29 of 1,614,238 alleles (0.0018%); highest among the groups gnomAD compares: Middle Eastern, 0.049%; 1 homozygote.

Submissions (4):

Labcorp Genetics (formerly Invitae), Labcorp
Classification: Uncertain significance for Multiple endocrine neoplasia type 4. Last evaluated: 2025-10-29. Review status: criteria provided, single submitter. Criteria: Invitae Variant Classification Sherloc (09022015). Collection method: clinical testing. Allele origin: germline.
Comment: This sequence change replaces glutamine, which is neutral and polar, with histidine, which is basic and polar, at codon 65 of the CDKN1B protein (p.Gln65His). This variant is present in population databases (rs747864095, gnomAD 0.01%). This missense change has been observed in individual(s) with colon cancer and advanced adenoma (PMID: 25058500). ClinVar contains an entry for this variant (Variation ID: 656075). An algorithm developed to predict the effect of missense changes on protein structure and function (PolyPhen-2) suggests that this variant is likely to be tolerated. In summary, the available evidence is currently insufficient to determine the role of this variant in disease. Therefore, it has been classified as a Variant of Uncertain Significance.

GeneDx
Classification: Uncertain significance. Last evaluated: 2024-12-12. Review status: criteria provided, single submitter. Criteria: GeneDx Variant Classification Process June 2021. Collection method: clinical testing. Allele origin: germline. Affected: yes.
Comment: In silico analysis indicates that this missense variant does not alter protein structure/function; This variant is associated with the following publications: (PMID: 34426522, 25058500, 30990521, 28687353, 38288531)

Ambry Genetics
Classification: Benign for Hereditary cancer-predisposing syndrome. Last evaluated: 2024-01-05. Review status: criteria provided, single submitter. Criteria: Ambry Variant Classification Scheme 2023. Collection method: clinical testing. Allele origin: germline.

Blueprint Genetics
Classification: Uncertain significance. Last evaluated: 2023-02-24. Review status: criteria provided, single submitter. Criteria: ACMG Guidelines, 2015. Collection method: clinical testing. Allele origin: germline.

Literature cited by the submitters: PubMed 25058500 (cited by Labcorp Genetics (formerly Invitae), Labcorp).